The following is an entry in ClinVar:

NM_015717.5(CD207):c.341A>T (p.Glu114Val)

Gene: CD207 (CD207 molecule; minus strand). Cytogenetic location: 2p13.3.
Variant type: single nucleotide variant.
Coding change: c.341A>T on transcript NM_015717.5 (MANE Select); coding-DNA position 341, A replaced by T.
Protein change: p.Glu114Val; replaces glutamic acid 114 with valine.
Molecular consequence: missense variant.
Genome position (GRCh38, 1-based): chr2:70,833,870, T>A on the plus strand (A>T on the coding strand, the complement: CD207 is on the minus strand). VCF-style: chr2-70833870-T-A. GRCh37 (hg19) VCF-style: chr2-71061001-T-A.
Other names: NC_000002.11:g.71061001T>A; short protein forms E114V.
Identifiers: ClinVar variation 3060821 (VCV003060821.3), dbSNP rs72836219, ClinGen allele CA1700439.

ClinVar aggregate classification (germline): Benign (0 of 4 stars; one submission).

Conditions:
CD207-related disorder. Also called: CD207-related condition.

Allele frequency attached by ClinVar (database versions not stated): gnomAD exomes 0.08669; ExAC 0.09326; ESP Exome Variant Server 0.10301; gnomAD 0.10695; TOPMed 0.10893; 1000 Genomes Project 30x 0.13648; 1000 Genomes Project 0.13978.
gnomAD v4.1: 143,430 of 1,612,772 alleles (8.9%); highest among the groups gnomAD compares: African/African-American, 17%; 7,345 homozygotes.

Submissions (6):

PreventionGenetics, part of Exact Sciences
Classification: Benign for CD207-related condition. Last evaluated: 2019-11-27. Review status: no assertion criteria provided. Collection method: clinical testing. Allele origin: germline.
Comment: This variant is classified as benign based on ACMG/AMP sequence variant interpretation guidelines (Richards et al. 2015 PMID: 25741868, with internal and published modifications).

Dr. Peter K. Rogan Lab, Western University
No classification provided (evidence only). Condition: Colorectal cancer. Review status: no classification provided. Collection method: in vitro. Allele origin: not applicable. Functional consequence: retained intron. Not counted in ClinVar's aggregate classification.

Dr. Peter K. Rogan Lab, Western University
No classification provided (evidence only). Condition: Uterine carcinosarcoma. Review status: no classification provided. Collection method: in vitro. Allele origin: not applicable. Functional consequence: retained intron. Not counted in ClinVar's aggregate classification.

Dr. Peter K. Rogan Lab, Western University
No classification provided (evidence only). Condition: Uterine carcinosarcoma. Review status: no classification provided. Collection method: in vitro. Allele origin: not applicable. Functional consequence: retained intron. Not counted in ClinVar's aggregate classification.

Dr. Peter K. Rogan Lab, Western University
No classification provided (evidence only). Condition: Uterine carcinosarcoma. Review status: no classification provided. Collection method: in vitro. Allele origin: not applicable. Functional consequence: retained intron. Not counted in ClinVar's aggregate classification.

Dr. Peter K. Rogan Lab, Western University
No classification provided (evidence only). Condition: Uterine carcinosarcoma. Review status: no classification provided. Collection method: in vitro. Allele origin: not applicable. Functional consequence: retained intron. Not counted in ClinVar's aggregate classification.